The following is an entry in ClinVar:

NM_001351132.2(PEX5):c.1835C>G (p.Ser612Cys)

Gene: PEX5 (peroxisomal biogenesis factor 5; plus strand). Cytogenetic location: 12p13.31.
Variant type: single nucleotide variant.
Coding change: c.1835C>G on transcript NM_001351132.2 (MANE Select); coding-DNA position 1835, C replaced by G.
Protein change: p.Ser612Cys; replaces serine 612 with cysteine.
Molecular consequence: missense variant.
Genome position (GRCh38, 1-based): chr12:7,210,138, C>G. VCF-style: chr12-7210138-C-G. GRCh37 (hg19) VCF-style: chr12-7362734-C-G.
Other names: c.1811C>G, p.Ser604Cys (NM_000319.5); c.1880C>G, p.Ser627Cys (NM_001131023.2); c.1724C>G, p.Ser575Cys (NM_001131024.2, NM_001351124.3, NM_001351126.2 and 7 more transcripts); c.1835C>G, p.Ser612Cys (NM_001131025.2, NM_001131026.2, NM_001300789.3 and 4 more transcripts); c.1700C>G, p.Ser567Cys (NM_001374649.2, NM_001351139.2, NM_001351140.2); c.1769C>G, p.Ser590Cys (NM_001351135.3, NM_001351138.2); c.1826C>G, p.Ser609Cys (NM_001351136.2); short protein forms S627C, S609C, S590C, S567C, S575C, S604C, S612C.
Identifiers: ClinVar variation 2797839 (VCV002797839.3), dbSNP rs1443655172, ClinGen allele CA383740394.
Genomic context (GRCh38, chr12:7,210,138, plus strand): 5'-CCCGGGGTGAAGGAGGTGCCATGTCGGAGAACATCTGGAGCACCCTGCGTTTGGCATTGT[C>G]TATGTTAGGCCAGAGCGATGCCTATGGGGCAGCCGACGCGCGGGATCTGTCCACCCTCCT-3'
Protein context (NP_001338061.1, residues 602-622): NIWSTLRLAL[Ser612Cys]MLGQSDAYGA

ClinVar aggregate classification (germline): Uncertain significance (1 of 4 stars; one submission).

Conditions:
Peroxisome biogenesis disorder 2B (PBD2B). Identifiers: Orphanet 44, MedGen C3550234, MONDO:0008736, OMIM 202370.

Allele frequency attached by ClinVar (database versions not stated): TOPMed below 0.00001; gnomAD 0.00001.
gnomAD v4.1: 1 of 1,614,092 alleles (0.000062%); highest among the groups gnomAD compares: Non-Finnish European, 0.000085%; no homozygotes.

Submission:

Labcorp Genetics (formerly Invitae), Labcorp
Classification: Uncertain significance for Peroxisome biogenesis disorder 2B. Last evaluated: 2023-02-16. Review status: criteria provided, single submitter. Criteria: Invitae Variant Classification Sherloc (09022015). Collection method: clinical testing. Allele origin: germline.
Comment: This sequence change replaces serine, which is neutral and polar, with cysteine, which is neutral and slightly polar, at codon 612 of the PEX5 protein (p.Ser612Cys). This variant is not present in population databases (gnomAD no frequency). This variant has not been reported in the literature in individuals affected with PEX5-related conditions. Advanced modeling of protein sequence and biophysical properties (such as structural, functional, and spatial information, amino acid conservation, physicochemical variation, residue mobility, and thermodynamic stability) performed at Invitae indicates that this missense variant is expected to disrupt PEX5 protein function. In summary, the available evidence is currently insufficient to determine the role of this variant in disease. Therefore, it has been classified as a Variant of Uncertain Significance.